The following is an entry in ClinVar:

NM_004612.4(TGFBR1):c.222A>C (p.Glu74Asp)

Gene: TGFBR1 (transforming growth factor beta receptor 1; plus strand). Cytogenetic location: 9q22.33.
Variant type: single nucleotide variant.
Coding change: c.222A>C on transcript NM_004612.4 (MANE Select); coding-DNA position 222, A replaced by C.
Protein change: p.Glu74Asp; replaces glutamic acid 74 with aspartic acid.
Molecular consequence: missense variant.
Genome position (GRCh38, 1-based): chr9:99,128,979, A>C. VCF-style: chr9-99128979-A-C. GRCh37 (hg19) VCF-style: chr9-101891261-A-C.
Other names: c.222A>C, p.Glu74Asp (NM_001130916.3, NM_001306210.2); short protein forms E74D.
Identifiers: ClinVar variation 222836 (VCV000222836.7), dbSNP rs201910738, ClinGen allele CA041259.

ClinVar aggregate classification (germline): Uncertain significance. Review status: criteria provided, multiple submitters, no conflicts (2 of 4 stars). 3 submissions from 3 submitters: Uncertain significance (3). Last evaluated 2020-02-10.

Conditions:
Familial thoracic aortic aneurysm and aortic dissection (TAAD). Also called: Thoracic aortic aneurysms and dissections. Identifiers: Orphanet 91387, MedGen C4707243, MONDO:0019625.
Craniosynostosis syndrome. Also called: Craniosynostosis. Identifiers: Orphanet 1531, MedGen C0010278, MeSH D003398, MONDO:0015469, HP:0001363.

Allele frequency attached by ClinVar (database versions not stated): gnomAD 0.00001; gnomAD exomes 0.00001; ExAC 0.00002.
gnomAD v4.1: 10 of 1,613,910 alleles (0.00062%); highest among the groups gnomAD compares: Non-Finnish European, 0.000085%; no homozygotes.

Submissions (3):

Color Diagnostics, LLC DBA Color Health
Classification: Uncertain significance for Familial thoracic aortic aneurysm and aortic dissection. Last evaluated: 2020-02-10. Review status: criteria provided, single submitter. Criteria: ACMG Guidelines, 2015. Collection method: clinical testing. Allele origin: germline.
Comment: This missense variant replaces glutamic acid with aspartic acid at codon 74 of the TGFBR1 protein. Computational prediction suggests that this variant may not impact protein structure and function (internally defined REVEL score threshold <= 0.5, PMID: 27666373). Splice site prediction tools suggest that this variant may not impact RNA splicing. To our knowledge, functional studies have not been performed for this variant. This variant has not been reported in individuals affected with cardiovascular disorders in the literature. This variant has been identified in 3/250906 chromosomes in the general population by the Genome Aggregation Database (gnomAD). The available evidence is insufficient to determine the role of this variant in disease conclusively. Therefore, this variant is classified as a Variant of Uncertain Significance.

Klinisk genetik och genomik Research, Gothenburg University
Classification: Uncertain significance for Craniosynostosis. Last evaluated: 2019-09-25. Review status: criteria provided, single submitter. Criteria: ACMG Guidelines, 2015. Collection method: research. Allele origin: germline. Affected: yes.
Comment: Co-segregating with VOUS in IL11RA

Blueprint Genetics
Classification: Uncertain significance. Last evaluated: 2018-03-13. Review status: criteria provided, single submitter. Criteria: ACMG Guidelines, 2015. Collection method: clinical testing. Allele origin: germline.

Literature cited by the submitters: PubMed 31837199 (cited by Klinisk genetik och genomik Research, Gothenburg University).